The following is an entry in ClinVar:

NM_024407.5(NDUFS7):c.375A>G (p.Thr125=)

Gene: NDUFS7 (NADH:ubiquinone oxidoreductase core subunit S7; plus strand). Cytogenetic location: 19p13.3.
Variant type: single nucleotide variant.
Coding change: c.375A>G on transcript NM_024407.5 (MANE Select); coding-DNA position 375, A replaced by G.
Protein change: p.Thr125=; no amino-acid change (threonine 125 retained).
Molecular consequence: synonymous variant.
Genome position (GRCh38, 1-based): chr19:1,391,017, A>G. VCF-style: chr19-1391017-A-G. GRCh37 (hg19) VCF-style: chr19-1391016-A-G.
Other names: c.375A>G, p.Thr125= (NM_001363602.2).
Identifiers: ClinVar variation 1960691 (VCV001960691.29), dbSNP rs1272954343, ClinGen allele CA504895135.

ClinVar aggregate classification (germline): Likely benign. Review status: criteria provided, multiple submitters, no conflicts (2 of 4 stars). 2 submissions from 2 submitters: Likely benign (2). Last evaluated 2023-06-29.

Allele frequency attached by ClinVar (database versions not stated): gnomAD 0.00001.

Submissions (2):

Labcorp Genetics (formerly Invitae), Labcorp
Classification: Likely benign. Last evaluated: 2023-06-29. Review status: criteria provided, single submitter. Criteria: Invitae Variant Classification Sherloc (09022015). Collection method: clinical testing. Allele origin: germline.

CeGaT Center for Human Genetics Tuebingen
Classification: Likely benign. Last evaluated: 2022-05-01. Review status: criteria provided, single submitter. Criteria: CeGaT Center For Human Genetics Tuebingen Variant Classification Criteria Version 2. Collection method: clinical testing. Allele origin: germline. Affected: yes. Observed: 1 variant allele.
Comment: NDUFS7: BP4, BP7